The following is an entry in ClinVar:

ClinVar aggregate classification (germline): Uncertain significance. Review status: criteria provided, multiple submitters, no conflicts (2 of 4 stars). 2 submissions from 2 submitters: Uncertain significance (2). Last evaluated 2026-01-19.

Conditions:
Inborn genetic diseases. Identifiers: MedGen C0950123, MeSH D030342.

gnomAD v4.1: 7 of 1,614,120 alleles (0.00043%); highest among the groups gnomAD compares: Admixed American, 0.005%; no homozygotes.

Submissions (2):

Labcorp Genetics (formerly Invitae), Labcorp
Classification: Uncertain significance. Last evaluated: 2026-01-19. Review status: criteria provided, single submitter. Criteria: Invitae Variant Classification Sherloc (09022015). Collection method: clinical testing. Allele origin: germline.
Comment: This sequence change replaces arginine, which is basic and polar, with threonine, which is neutral and polar, at codon 2579 of the ANK3 protein (p.Arg2579Thr). This variant is present in population databases (no rsID available, gnomAD 0.009%). This variant has not been reported in the literature in individuals affected with ANK3-related conditions. ClinVar contains an entry for this variant (Variation ID: 1948902). Invitae Evidence Modeling of protein sequence and biophysical properties (such as structural, functional, and spatial information, amino acid conservation, physicochemical variation, residue mobility, and thermodynamic stability) indicates that this missense variant is not expected to disrupt ANK3 protein function with a negative predictive value of 80%. In summary, the available evidence is currently insufficient to determine the role of this variant in disease. Therefore, it has been classified as a Variant of Uncertain Significance.

Ambry Genetics
Classification: Uncertain significance for Inborn genetic diseases. Last evaluated: 2021-10-20. Review status: criteria provided, single submitter. Criteria: Ambry Variant Classification Scheme 2023. Collection method: clinical testing. Allele origin: germline.

NM_020987.5(ANK3):c.7736G>C (p.Arg2579Thr)

Gene: ANK3 (ankyrin 3; minus strand). Cytogenetic location: 10q21.2.
Variant type: single nucleotide variant.
Coding change: c.7736G>C on transcript NM_020987.5 (MANE Select); coding-DNA position 7736, G replaced by C.
Protein change: p.Arg2579Thr; replaces arginine 2579 with threonine.
Molecular consequence: missense variant. On other transcripts: intron variant (4).
Genome position (GRCh38, 1-based): chr10:60,073,145, C>G on the plus strand (G>C on the coding strand, the complement: ANK3 is on the minus strand). VCF-style: chr10-60073145-C-G. GRCh37 (hg19) VCF-style: chr10-61832903-C-G.
Other names: c.4388-5136G>C (NM_001204403.2); c.4409-5136G>C (NM_001204404.2); c.4406-5136G>C (NM_001320874.2); c.1808-5136G>C (NM_001149.4); short protein forms R2579T.
Identifiers: ClinVar variation 1948902 (VCV001948902.6), dbSNP rs61732397, ClinGen allele CA377009450.
Genomic context (GRCh38, chr10:60,073,145, plus strand): 5'-GTTTTGTCACGAAAAAACTGTGACACTTCAGTCAGTTTTTCTTCAGCCTCCTTCACAGTC[C>G]TGTCCACCCTATCTTCATATATCAACTTCTCTCTACCTCTGTCTAATCTGTCCTCAGTAA-3'
Protein context (NP_066267.2, residues 2569-2589): EKLIYEDRVD[Arg2579Thr]TVKEAEEKLT